The following is an entry in ClinVar:

NM_022042.4(SLC26A1):c.747G>A (p.Trp249Ter)

Genes: IDUA (alpha-L-iduronidase; plus strand), SLC26A1 (solute carrier family 26 member 1; minus strand). Cytogenetic location: 4p16.3.
Variant type: single nucleotide variant.
Coding change: c.747G>A on transcript NM_022042.4 (MANE Select); coding-DNA position 747, G replaced by A.
Protein change: p.Trp249Ter; replaces tryptophan 249 with a stop codon.
Molecular consequence: nonsense. On other transcripts: intron variant (2).
Genome position (GRCh38, 1-based): chr4:990,192, C>T on the plus strand (G>A on the coding strand, the complement: SLC26A1 is on the minus strand). VCF-style: chr4-990192-C-T. GRCh37 (hg19) VCF-style: chr4-983980-C-T.
Other names: c.747G>A (NM_022042.3); c.747G>A, p.Trp249Ter (NM_213613.4); c.576+936G>A (NM_134425.4); c.299+2243C>T (NM_000203.5); short protein forms W249*.
Identifiers: ClinVar variation 283426 (VCV000283426.16), dbSNP rs536555705, ClinGen allele CA2801558.

ClinVar aggregate classification (germline): Conflicting classifications of pathogenicity. Review status: criteria provided, conflicting classifications (1 of 4 stars). 5 submissions from 5 submitters: Uncertain significance (2); Likely benign (2). 1 of the submissions does not count toward it. Last evaluated 2025-12-09.

Conditions:
Nephrolithiasis susceptibility caused by SLC26A1 (CAON1). Also called: NEPHROLITHIASIS, CALCIUM OXALATE, 1. Identifiers: MedGen C5779632, MONDO:0020722, OMIM 167030.
Hypersulfaturia (HYSULF). Identifiers: MedGen C5830511, MONDO:0957268, OMIM 620372.
SLC26A1-related disorder. Also called: SLC26A1-related condition.

Allele frequency attached by ClinVar (database versions not stated): gnomAD exomes 0.00005 and 0.00019; gnomAD 0.00009; TOPMed 0.00017; ExAC 0.00019; 1000 Genomes Project 0.00020; 1000 Genomes Project 30x 0.00031.
gnomAD v4.1: 109 of 1,561,430 alleles (0.007%); highest among the groups gnomAD compares: East Asian, 0.15%; 1 homozygote.

Submissions (5):

PreventionGenetics, part of Exact Sciences
Classification: Uncertain significance for SLC26A1-related condition. Last evaluated: 2025-12-09. Review status: criteria provided, single submitter. Criteria: ACMG Guidelines, 2015. Collection method: clinical testing. Allele origin: germline.
Comment: The SLC26A1 c.747G>A variant is predicted to result in premature protein termination (p.Trp249*). To our knowledge, this variant has not been reported in the literature. This variant is reported in 0.24% of alleles in individuals of East Asian descent in gnomAD. Although we suspect that this variant may be benign, at this time, the clinical significance of this variant is uncertain due to the absence of conclusive functional and genetic evidence.

Labcorp Genetics (formerly Invitae), Labcorp
Classification: Likely benign. Last evaluated: 2025-12-08. Review status: criteria provided, single submitter. Criteria: Invitae Variant Classification Sherloc (09022015). Collection method: clinical testing. Allele origin: germline.

Fulgent Genetics
Classification: Likely benign for Nephrolithiasis susceptibility caused by SLC26A1; Hypersulfaturia. Last evaluated: 2024-02-07. Review status: criteria provided, single submitter. Criteria: ACMG Guidelines, 2015. Collection method: clinical testing. Allele origin: germline.

Eurofins Ntd Llc (ga)
Classification: Uncertain significance. Last evaluated: 2015-09-21. Review status: criteria provided, single submitter. Criteria: EGL Classification Definitions 2015. Collection method: clinical testing. Allele origin: germline.

Chinese Inherited Urolithiasis Consortium, The Affiliated Yantai Yuhuangding Hospital of Qingdao University
Classification: Pathogenic for Nephrolithiasis susceptibility caused by SLC26A1. Last evaluated: 2024-08-26. Review status: no assertion criteria provided. Collection method: clinical testing. Allele origin: maternal. Affected: yes. Observed: 1 variant allele. Not counted in ClinVar's aggregate classification.